The following is an entry in ClinVar:

ClinVar aggregate classification (germline): Conflicting classifications of pathogenicity. Review status: criteria provided, conflicting classifications (1 of 4 stars). 3 submissions from 3 submitters: Likely pathogenic (1); Uncertain significance (2). Last evaluated 2024-05-20.

Conditions:
Hereditary cancer-predisposing syndrome. Also called: Hereditary Cancer Syndrome; Neoplastic Syndromes, Hereditary; Hereditary neoplastic syndrome; Tumor predisposition. Identifiers: Orphanet 140162, MedGen C0027672, MeSH D009386, MONDO:0015356.
Retinoblastoma (RB1). Also called: RETINOBLASTOMA, SOMATIC. Identifiers: Orphanet 790, MedGen C0035335, MeSH D012175, MONDO:0008380, OMIM 180200, HP:0009919. Disease mechanism: loss of function. Inheritance: Both sporadic and heritable forms are tested..

Submissions (3):

Genetic Diagnostic Laboratory, University of Pennsylvania School of Medicine
Classification: Uncertain significance for Retinoblastoma. Last evaluated: 2024-05-20. Review status: criteria provided, single submitter. Criteria: ACMG Guidelines, 2015. Collection method: clinical testing. Allele origin: germline. Affected: yes. Observed: 1 variant allele.
Comment: Case and Pedigree Information: BILATERAL CASES:0, UNILATERAL CASES:1, TOTAL CASES:1, PEDIGREES:1. ACMG Codes Applied:PM1, PM2

Labcorp Genetics (formerly Invitae), Labcorp
Classification: Uncertain significance for Retinoblastoma. Last evaluated: 2019-12-11. Review status: criteria provided, single submitter. Criteria: Invitae Variant Classification Sherloc (09022015). Collection method: clinical testing. Allele origin: germline.
Comment: This sequence change replaces cysteine with tyrosine at codon 489 of the RB1 protein (p.Cys489Tyr). The cysteine residue is highly conserved and there is a large physicochemical difference between cysteine and tyrosine. In summary, the available evidence is currently insufficient to determine the role of this variant in disease. Therefore, it has been classified as a Variant of Uncertain Significance. Algorithms developed to predict the effect of missense changes on protein structure and function (SIFT, PolyPhen-2, Align-GVGD) all suggest that this variant is likely to be disruptive, but these predictions have not been confirmed by published functional studies and their clinical significance is uncertain. This variant has not been reported in the literature in the germline of individuals with RB1-related conditions. ClinVar contains an entry for this variant (Variation ID: 428699). This variant is not present in population databases (ExAC no frequency).

Ambry Genetics
Classification: Likely pathogenic for Hereditary cancer-predisposing syndrome. Last evaluated: 2014-10-21. Review status: criteria provided, single submitter. Criteria: Ambry Variant Classification Scheme 2023. Collection method: clinical testing. Allele origin: germline.
Comment: The p.C489Y variant (also known as c.1466G>A), located in coding exon 16 of the RB1 gene, results from a G to A substitution at nucleotide position 1466. The cysteine at codon 489 is replaced by tyrosine, an amino acid with highly dissimilar properties. This variant was not reported in population based cohorts in the following databases: Database of Single Nucleotide Polymorphisms (dbSNP), NHLBI Exome Sequencing Project (ESP), and 1000 Genomes Project. In the ESP, this variant was not observed in 6499 samples (12,998 alleles) with coverage at this position. This amino acid position is highly conserved in available vertebrate species. In addition, this alteration is predicted to be deleterious by in silico analysis. Based on the majority of available evidence to date, this variant is likely to be pathogenic.

NM_000321.3(RB1):c.1466G>A (p.Cys489Tyr)

Gene: RB1 (RB transcriptional corepressor 1; plus strand). Cytogenetic location: 13q14.2.
Variant type: single nucleotide variant.
Coding change: c.1466G>A on transcript NM_000321.3 (MANE Select); coding-DNA position 1466, G replaced by A.
Protein change: p.Cys489Tyr; replaces cysteine 489 with tyrosine.
Molecular consequence: missense variant.
Genome position (GRCh38, 1-based): chr13:48,380,209, G>A. VCF-style: chr13-48380209-G-A. GRCh37 (hg19) VCF-style: chr13-48954345-G-A.
Other names: short protein forms C489Y.
Identifiers: ClinVar variation 428699 (VCV000428699.16), dbSNP rs1131690877, ClinGen allele CA388162860.
Genomic context (GRCh38, chr13:48,380,209, plus strand): 5'-TTTTTTTTTCCTTTAGCAAACTTCTGAATGACAACATTTTTCATATGTCTTTATTGGCGT[G>A]CGCTCTTGAGGTTGTAATGGCCACATATAGCAGTAAGTTAAATTTTCATAAATAAACACT-3'
Protein context (NP_000312.2, residues 479-499): DNIFHMSLLA[Cys489Tyr]ALEVVMATYS